The following is an entry in ClinVar:

NM_000245.4(MET):c.272A>G (p.Glu91Gly)

Gene: MET (MET proto-oncogene, receptor tyrosine kinase; plus strand). Cytogenetic location: 7q31.2.
Variant type: single nucleotide variant.
Coding change: c.272A>G on transcript NM_000245.4 (MANE Select); coding-DNA position 272, A replaced by G.
Protein change: p.Glu91Gly; replaces glutamic acid 91 with glycine.
Molecular consequence: missense variant. On other transcripts: intron variant (1).
Genome position (GRCh38, 1-based): chr7:116,699,356, A>G. VCF-style: chr7-116699356-A-G. GRCh37 (hg19) VCF-style: chr7-116339410-A-G.
Other names: c.272A>G, p.Glu91Gly (NM_001127500.3, NM_001324401.3); c.-91+26779A>G (NM_001324402.2); short protein forms E91G.
Identifiers: ClinVar variation 956746 (VCV000956746.13), dbSNP rs1791471735, ClinGen allele CA368968707.

ClinVar aggregate classification (germline): Uncertain significance. Review status: criteria provided, multiple submitters, no conflicts (2 of 4 stars). 2 submissions from 2 submitters: Uncertain significance (2). Last evaluated 2025-03-17.

Conditions:
Renal cell carcinoma. Identifiers: Orphanet 217071, MedGen C0007134, MeSH D002292, MONDO:0005086, HP:0005584.
Hereditary cancer-predisposing syndrome. Also called: Hereditary neoplastic syndrome; Tumor predisposition; Neoplastic Syndromes, Hereditary; Hereditary Cancer Syndrome. Identifiers: Orphanet 140162, MedGen C0027672, MeSH D009386, MONDO:0015356.

Submissions (2):

Ambry Genetics
Classification: Uncertain significance for Hereditary cancer-predisposing syndrome. Last evaluated: 2025-03-17. Review status: criteria provided, single submitter. Criteria: Ambry Variant Classification Scheme 2023. Collection method: clinical testing. Allele origin: germline.
Comment: The p.E91G variant (also known as c.272A>G), located in coding exon 1 of the MET gene, results from an A to G substitution at nucleotide position 272. The glutamic acid at codon 91 is replaced by glycine, an amino acid with similar properties. This amino acid position is well conserved in available vertebrate species. In addition, this alteration is predicted to be tolerated by in silico analysis. Since supporting evidence is limited at this time, the clinical significance of this alteration remains unclear.

Labcorp Genetics (formerly Invitae), Labcorp
Classification: Uncertain significance for Renal cell carcinoma. Last evaluated: 2019-09-30. Review status: criteria provided, single submitter. Criteria: Invitae Variant Classification Sherloc (09022015). Collection method: clinical testing. Allele origin: germline.
Comment: This sequence change replaces glutamic acid with glycine at codon 91 of the MET protein (p.Glu91Gly). The glutamic acid residue is moderately conserved and there is a moderate physicochemical difference between glutamic acid and glycine. This variant is not present in population databases (ExAC no frequency). This variant has not been reported in the literature in individuals with MET-related conditions. Algorithms developed to predict the effect of missense changes on protein structure and function are either unavailable or do not agree on the potential impact of this missense change (SIFT: "Tolerated"; PolyPhen-2: "Probably Damaging"; Align-GVGD: "Class C0"). In summary, the available evidence is currently insufficient to determine the role of this variant in disease. Therefore, it has been classified as a Variant of Uncertain Significance.